The following is an entry in ClinVar:

NM_002641.4(PIGA):c.910A>G (p.Ile304Val)

Gene: PIGA (phosphatidylinositol glycan anchor biosynthesis class A; minus strand). Cytogenetic location: Xp22.2.
Variant type: single nucleotide variant.
Coding change: c.910A>G on transcript NM_002641.4 (MANE Select); coding-DNA position 910, A replaced by G.
Protein change: p.Ile304Val; replaces isoleucine 304 with valine.
Molecular consequence: missense variant. On other transcripts: non-coding transcript variant (2).
Genome position (GRCh38, 1-based): chrX:15,325,091, T>C on the plus strand (A>G on the coding strand, the complement: PIGA is on the minus strand). VCF-style: chrX-15325091-T-C. GRCh37 (hg19) VCF-style: chrX-15343213-T-C.
Other names: c.208A>G, p.Ile70Val (NM_020473.3); short protein forms I304V, I70V.
Identifiers: ClinVar variation 3346077 (VCV003346077.1).

ClinVar aggregate classification (germline): Uncertain significance (0 of 4 stars; one submission).

Conditions:
PIGA-related disorder. Also called: PIGA-related condition.

gnomAD v4.1: 1 of 1,206,749 alleles (0.000083%); highest among the groups gnomAD compares: African/African-American, 0.0017%; no homozygotes.

Submission:

PreventionGenetics, part of Exact Sciences
Classification: Uncertain significance for PIGA-related condition. Last evaluated: 2024-09-16. Review status: no assertion criteria provided. Collection method: clinical testing. Allele origin: germline.
Comment: The PIGA c.910A>G variant is predicted to result in the amino acid substitution p.Ile304Val. To our knowledge, this variant has not been reported in the literature or in a large population database, indicating this variant is rare. At this time, the clinical significance of this variant is uncertain due to the absence of conclusive functional and genetic evidence.